The following is an entry in ClinVar:

ClinVar aggregate classification (germline): Likely benign (1 of 4 stars; one submission).

gnomAD v4.1: 12,181 of 1,612,662 alleles (0.76%); highest among the groups gnomAD compares: Middle Eastern, 1.5%; 53 homozygotes.

Submission:

CeGaT Center for Human Genetics Tuebingen
Classification: Likely benign. Last evaluated: 2024-10-01. Review status: criteria provided, single submitter. Criteria: CeGaT Center For Human Genetics Tuebingen Variant Classification Criteria Version 2. Collection method: clinical testing. Allele origin: germline. Affected: yes. Observed: 1 variant allele.
Comment: NUF2: BP4, BS2

NM_145697.3(NUF2):c.472G>A (p.Ala158Thr)

Gene: NUF2 (NUF2 component of NDC80 kinetochore complex; plus strand). Cytogenetic location: 1q23.3.
Variant type: single nucleotide variant.
Coding change: c.472G>A on transcript NM_145697.3 (MANE Select); coding-DNA position 472, G replaced by A.
Protein change: p.Ala158Thr; replaces alanine 158 with threonine.
Molecular consequence: missense variant.
Genome position (GRCh38, 1-based): chr1:163,338,056, G>A. VCF-style: chr1-163338056-G-A. GRCh37 (hg19) VCF-style: chr1-163307846-G-A.
Other names: c.472G>A, p.Ala158Thr (NM_031423.4); short protein forms A158T.
Identifiers: ClinVar variation 3387942 (VCV003387942.14).
Genomic context (GRCh38, chr1:163,338,056, plus strand): 5'-AGATGATTAAAATTGCTTTAATAGAAATCCTCTGCGGACAAAATGCAACAGTTAAACGCC[G>A]CACACCAGGAGGCATTAATGAAACTGGAGAGACTTGAGTAAGTGGGAGATTTACAAGTAA-3'
Protein context (NP_663735.2, residues 148-168): SADKMQQLNA[Ala158Thr]HQEALMKLER